The following is an entry in ClinVar:

ClinVar aggregate classification (germline): Uncertain significance (1 of 4 stars; one submission).

Conditions:
RYR1-related disorder. Also called: RYR1-related condition; RYR1-related disorders. Identifiers: MedGen CN239331.

Submission:

Labcorp Genetics (formerly Invitae), Labcorp
Classification: Uncertain significance for RYR1-related disorder. Last evaluated: 2023-12-27. Review status: criteria provided, single submitter. Criteria: Invitae Variant Classification Sherloc (09022015). Collection method: clinical testing. Allele origin: germline.
Comment: This sequence change replaces glycine, which is neutral and non-polar, with arginine, which is basic and polar, at codon 3255 of the RYR1 protein (p.Gly3255Arg). This variant is not present in population databases (gnomAD no frequency). This variant has not been reported in the literature in individuals affected with RYR1-related conditions. Advanced modeling of protein sequence and biophysical properties (such as structural, functional, and spatial information, amino acid conservation, physicochemical variation, residue mobility, and thermodynamic stability) performed at Invitae indicates that this missense variant is not expected to disrupt RYR1 protein function with a negative predictive value of 95%. In summary, the available evidence is currently insufficient to determine the role of this variant in disease. Therefore, it has been classified as a Variant of Uncertain Significance.

NM_000540.3(RYR1):c.9763G>A (p.Gly3255Arg)

Gene: RYR1 (ryanodine receptor 1; plus strand). Cytogenetic location: 19q13.2.
Variant type: single nucleotide variant.
Coding change: c.9763G>A on transcript NM_000540.3 (MANE Select); coding-DNA position 9763, G replaced by A.
Protein change: p.Gly3255Arg; replaces glycine 3255 with arginine.
Molecular consequence: missense variant.
Genome position (GRCh38, 1-based): chr19:38,517,436, G>A. VCF-style: chr19-38517436-G-A. GRCh37 (hg19) VCF-style: chr19-39008076-G-A.
Other names: c.9763G>A, p.Gly3255Arg (NM_001042723.2); short protein forms G3255R.
Identifiers: ClinVar variation 2702285 (VCV002702285.3), dbSNP rs2514432829, ClinGen allele CA405691884.